The following is an entry in ClinVar:

NM_001374385.1(ATP8B1):c.694G>C (p.Asp232His)

Gene: ATP8B1 (ATPase phospholipid transporting 8B1; minus strand). Cytogenetic location: 18q21.31.
Variant type: single nucleotide variant.
Coding change: c.694G>C on transcript NM_001374385.1 (MANE Select); coding-DNA position 694, G replaced by C.
Protein change: p.Asp232His; replaces aspartic acid 232 with histidine.
Molecular consequence: missense variant.
Genome position (GRCh38, 1-based): chr18:57,697,622, C>G on the plus strand (G>C on the coding strand, the complement: ATP8B1 is on the minus strand). VCF-style: chr18-57697622-C-G. GRCh37 (hg19) VCF-style: chr18-55364854-C-G.
Other names: c.544G>C, p.Asp182His (NM_001374386.1); c.694G>C, p.Asp232His (NM_005603.6); short protein forms D182H, D232H.
Identifiers: ClinVar variation 4854935 (VCV004854935.1).
Genomic context (GRCh38, chr18:57,697,622, plus strand): 5'-GAATGAATGTGCCTTCAAAGGCCAGCTTTAAATCAGGCCCATCGAGACACACTTACCCAT[C>G]CAGTTCTGCTGTTTCCACATAGCAGAGGCTGTTAGGCTCAGAGCTAGACAGCAGGAGAAT-3'
Protein context (NP_001361314.1, residues 222-242): SLCYVETAEL[Asp232His]GETNLKFKMS

ClinVar aggregate classification (germline): Uncertain significance (1 of 4 stars; one submission).

Conditions:
Progressive familial intrahepatic cholestasis type 1. Also called: BYLER DISEASE; Byler's disease; Severe ATP8B1 Deficiency (Progressive Familial Intrahepatic Cholestasis Type 1 [PFIC1]). Identifiers: Orphanet 79306, MedGen C4551898, MONDO:0008892, OMIM 211600.

Submission:

3billion
Classification: Uncertain significance for Progressive familial intrahepatic cholestasis type 1. Last evaluated: 2026-01-22. Review status: criteria provided, single submitter. Criteria: ACMG Guidelines, 2015. Collection method: clinical testing. Allele origin: germline. Affected: yes.
Comment: The variant is not observed in the gnomAD v4.1.0 dataset. Predicted Consequence/Location: Missense variant In silico tool predictions suggest damaging effect of the variant on gene or gene product [REVEL: 0.93 (>=0.6, sensitivity 0.68 and specificity 0.92); 3Cnet: 0.99 (> 0.75, sensitivity 0.96 and precision 0.92)]. Therefore, this variant is classified as VUS according to the recommendation of ACMG/AMP guideline.